The following is an entry in ClinVar:

ClinVar aggregate classification (germline): Pathogenic. Review status: criteria provided, multiple submitters, no conflicts (2 of 4 stars). 3 submissions from 3 submitters: Pathogenic (3). Last evaluated 2025-01-08.

Conditions:
Intellectual developmental disorder, autosomal dominant 43. Also called: Intellectual disability, autosomal dominant 43. Identifiers: MedGen C4707429, MONDO:0014858, OMIM 616977.
Angelman syndrome-like. Identifiers: MedGen CN128785.

Submissions (3):

Greenwood Genetic Center Diagnostic Laboratories, Greenwood Genetic Center
Classification: Pathogenic for Intellectual developmental disorder, autosomal dominant 43. Last evaluated: 2025-01-08. Review status: criteria provided, single submitter. Criteria: ACMG Guidelines, 2015. Collection method: clinical testing. Allele origin: germline. Affected: yes.
Comment: PVS1, PS2, PS4, PM2

GeneDx
Classification: Pathogenic. Last evaluated: 2021-10-08. Review status: criteria provided, single submitter. Criteria: GeneDx Variant Classification Process June 2021. Collection method: clinical testing. Allele origin: germline. Affected: yes.
Comment: Nonsense variant predicted to result in protein truncation or nonsense mediated decay in a gene for which loss-of-function is a known mechanism of disease; Not observed in large population cohorts (Lek et al., 2016); This variant is associated with the following publications: (PMID: 31207095)

Developmental Disorders Research, Mater Research
Classification: Pathogenic for Angelman-like syndrome. Last evaluated: 2019-04-03. Review status: criteria provided, single submitter. Criteria: ACMG Guidelines, 2015. Collection method: research. Allele origin: de novo. Inheritance: Autosomal dominant inheritance. Affected: yes. Observed: 1 heterozygote.
Comment: A de novo heterozygous nonsense variant was detected in the HIVEP2 gene. The c.5935C>T variant creates a premature STOP codon (p.(Arg1979*)) which is predicted to result in a truncated protein or nonsense-mediated mRNA decay, although this has not been demonstrated experimentally. The c.5935C>T variant is not present in the gnomAD population variant databases (v2.1). Based on current evidence, this variant is classified as pathogenic ACMG: PVS1, PM2, PM6

NM_006734.4(HIVEP2):c.5935C>T (p.Arg1979Ter)

Gene: HIVEP2 (HIVEP zinc finger 2; minus strand). Cytogenetic location: 6q24.2.
Variant type: single nucleotide variant.
Coding change: c.5935C>T on transcript NM_006734.4 (MANE Select); coding-DNA position 5935, C replaced by T.
Protein change: p.Arg1979Ter; replaces arginine 1979 with a stop codon.
Molecular consequence: nonsense.
Genome position (GRCh38, 1-based): chr6:142,760,353, G>A on the plus strand (C>T on the coding strand, the complement: HIVEP2 is on the minus strand). VCF-style: chr6-142760353-G-A. GRCh37 (hg19) VCF-style: chr6-143081490-G-A.
Other names: short protein forms R1979*.
Identifiers: ClinVar variation 523775 (VCV000523775.10), dbSNP rs1554275163, ClinGen allele CA365888263.